The following is an entry in ClinVar:

NM_032776.3(JMJD1C):c.7328A>G (p.Tyr2443Cys)

Gene: JMJD1C (jumonji domain containing 1C; minus strand). Cytogenetic location: 10q21.3.
Variant type: single nucleotide variant.
Coding change: c.7328A>G on transcript NM_032776.3 (MANE Select); coding-DNA position 7328, A replaced by G.
Protein change: p.Tyr2443Cys; replaces tyrosine 2443 with cysteine.
Molecular consequence: missense variant. On other transcripts: non-coding transcript variant (1).
Genome position (GRCh38, 1-based): chr10:63,176,370, T>C on the plus strand (A>G on the coding strand, the complement: JMJD1C is on the minus strand). VCF-style: chr10-63176370-T-C. GRCh37 (hg19) VCF-style: chr10-64936130-T-C.
Other names: c.6782A>G, p.Tyr2261Cys (NM_001282948.2, NM_001318154.2); c.6464A>G, p.Tyr2155Cys (NM_001318153.2); c.7214A>G, p.Tyr2405Cys (NM_001322252.2); c.6671A>G, p.Tyr2224Cys (NM_001322254.2, NM_001322258.2); c.7328A>G (NM_032776.1); short protein forms Y2155C, Y2261C, Y2405C, Y2224C, Y2443C.
Identifiers: ClinVar variation 1038217 (VCV001038217.9), dbSNP rs777189076, ClinGen allele CA5517673.
Genomic context (GRCh38, chr10:63,176,370, plus strand): 5'-CCCGCTGGCAAAACAATAGCATCACCAAGGAACTGAATAAGAGTACAGGTTCTGACTCCA[T>C]ATTCTTCAAGCAGCCTTTGACGGAGCTTTTTGTTCACATACCAACTTTGGTCACGTATTG-3'
Protein context (NP_116165.1, residues 2433-2453): KKLRQRLLEE[Tyr2443Cys]GVRTCTLIQF

ClinVar aggregate classification (germline): Uncertain significance. Review status: criteria provided, multiple submitters, no conflicts (2 of 4 stars). 2 submissions from 2 submitters: Uncertain significance (2). Last evaluated 2025-02-18.

Conditions:
Early Myoclonic Encephalopathy. Identifiers: MedGen C0270855.

Allele frequency attached by ClinVar (database versions not stated): gnomAD exomes 0.00001 and below 0.00001; TOPMed below 0.00001; ExAC 0.00002; gnomAD 0.00001.
gnomAD v4.1: 5 of 1,613,938 alleles (0.00031%); highest among the groups gnomAD compares: Admixed American, 0.0017%; no homozygotes.

Submissions (2):

Ambry Genetics
Classification: Uncertain significance. Last evaluated: 2025-02-18. Review status: criteria provided, single submitter. Criteria: Ambry Variant Classification Scheme 2023. Collection method: clinical testing. Allele origin: germline.

Labcorp Genetics (formerly Invitae), Labcorp
Classification: Uncertain significance for Early Myoclonic Encephalopathy. Last evaluated: 2022-08-22. Review status: criteria provided, single submitter. Criteria: Invitae Variant Classification Sherloc (09022015). Collection method: clinical testing. Allele origin: germline.
Comment: In summary, the available evidence is currently insufficient to determine the role of this variant in disease. Therefore, it has been classified as a Variant of Uncertain Significance. Algorithms developed to predict the effect of missense changes on protein structure and function (SIFT, PolyPhen-2, Align-GVGD) all suggest that this variant is likely to be disruptive. ClinVar contains an entry for this variant (Variation ID: 1038217). This variant has not been reported in the literature in individuals affected with JMJD1C-related conditions. This variant is present in population databases (rs777189076, gnomAD 0.003%). This sequence change replaces tyrosine, which is neutral and polar, with cysteine, which is neutral and slightly polar, at codon 2443 of the JMJD1C protein (p.Tyr2443Cys).